The following is an entry in ClinVar:

NM_002474.3(MYH11):c.345+4A>T

Gene: MYH11 (myosin heavy chain 11; minus strand). Cytogenetic location: 16p13.11.
Variant type: single nucleotide variant.
Coding change: c.345+4A>T on transcript NM_002474.3 (MANE Select); 4 bases into the intron after coding-DNA position 345, A replaced by T.
Molecular consequence: intron variant.
Genome position (GRCh38, 1-based): chr16:15,837,904, T>A on the plus strand (A>T on the coding strand, the complement: MYH11 is on the minus strand). VCF-style: chr16-15837904-T-A. GRCh37 (hg19) VCF-style: chr16-15931761-T-A.
Other names: c.345+4A>T (NM_022844.3, NM_001040114.2, NM_001040113.2).
Identifiers: ClinVar variation 2906587 (VCV002906587.3), dbSNP rs2043942878, ClinGen allele CA2209972061.

ClinVar aggregate classification (germline): Uncertain significance (1 of 4 stars; one submission).

Conditions:
Aortic aneurysm, familial thoracic 4 (AAT4). Also called: AORTIC ANEURYSM/AORTIC DISSECTION AND PATENT DUCTUS ARTERIOSUS. Identifiers: MedGen C1851504, MONDO:0007568, OMIM 132900.

Allele frequency attached by ClinVar (database versions not stated): gnomAD exomes below 0.00001; TOPMed below 0.00001.
gnomAD v4.1: 1 of 1,613,280 alleles (0.000062%); highest among the groups gnomAD compares: Non-Finnish European, 0.000085%; no homozygotes.

Submission:

Labcorp Genetics (formerly Invitae), Labcorp
Classification: Uncertain significance for Aortic aneurysm, familial thoracic 4. Last evaluated: 2023-10-05. Review status: criteria provided, single submitter. Criteria: Invitae Variant Classification Sherloc (09022015). Collection method: clinical testing. Allele origin: germline.
Comment: This sequence change falls in intron 2 of the MYH11 gene. It does not directly change the encoded amino acid sequence of the MYH11 protein. It affects a nucleotide within the consensus splice site. This variant is not present in population databases (gnomAD no frequency). This variant has not been reported in the literature in individuals affected with MYH11-related conditions. Variants that disrupt the consensus splice site are a relatively common cause of aberrant splicing (PMID: 17576681, 9536098). Algorithms developed to predict the effect of sequence changes on RNA splicing suggest that this variant may disrupt the consensus splice site. In summary, the available evidence is currently insufficient to determine the role of this variant in disease. Therefore, it has been classified as a Variant of Uncertain Significance.

Literature cited by the submitters: PubMed 17576681; PubMed 9536098.